The following is an entry in ClinVar:

ClinVar aggregate classification (germline): Uncertain significance. Review status: criteria provided, multiple submitters, no conflicts (2 of 4 stars). 2 submissions from 2 submitters: Uncertain significance (2). Last evaluated 2024-11-11.

Conditions:
Inborn genetic diseases. Identifiers: MedGen C0950123, MeSH D030342.

Allele frequency attached by ClinVar (database versions not stated): TOPMed below 0.00001; gnomAD 0.00001; ExAC 0.00003.
gnomAD v4.1: 8 of 1,614,064 alleles (0.0005%); highest among the groups gnomAD compares: Admixed American, 0.013%; no homozygotes.

Submissions (2):

Ambry Genetics
Classification: Uncertain significance for Inborn genetic diseases. Last evaluated: 2024-11-11. Review status: criteria provided, single submitter. Criteria: Ambry Variant Classification Scheme 2023. Collection method: clinical testing. Allele origin: germline.

Labcorp Genetics (formerly Invitae), Labcorp
Classification: Uncertain significance. Last evaluated: 2023-12-07. Review status: criteria provided, single submitter. Criteria: Invitae Variant Classification Sherloc (09022015). Collection method: clinical testing. Allele origin: germline.
Comment: This sequence change replaces histidine, which is basic and polar, with glutamine, which is neutral and polar, at codon 1218 of the VCAN protein (p.His1218Gln). This variant is present in population databases (rs748857884, gnomAD 0.02%). This variant has not been reported in the literature in individuals affected with VCAN-related conditions. ClinVar contains an entry for this variant (Variation ID: 949050). Algorithms developed to predict the effect of missense changes on protein structure and function output the following: SIFT: "Not Available"; PolyPhen-2: "Benign"; Align-GVGD: "Not Available". The glutamine amino acid residue is found in multiple mammalian species, which suggests that this missense change does not adversely affect protein function. In summary, the available evidence is currently insufficient to determine the role of this variant in disease. Therefore, it has been classified as a Variant of Uncertain Significance.

NM_004385.5(VCAN):c.3654C>A (p.His1218Gln)

Gene: VCAN (versican; plus strand). Cytogenetic location: 5q14.3.
Variant type: single nucleotide variant.
Coding change: c.3654C>A on transcript NM_004385.5 (MANE Select); coding-DNA position 3654, C replaced by A.
Protein change: p.His1218Gln; replaces histidine 1218 with glutamine.
Molecular consequence: missense variant. On other transcripts: intron variant (2).
Genome position (GRCh38, 1-based): chr5:83,521,960, C>A. VCF-style: chr5-83521960-C-A. GRCh37 (hg19) VCF-style: chr5-82817779-C-A.
Other names: c.3654C>A, p.His1218Gln (NM_001164098.2); c.1042+9564C>A (NM_001164097.2, NM_001126336.3); short protein forms H1218Q.
Identifiers: ClinVar variation 949050 (VCV000949050.10), dbSNP rs748857884, ClinGen allele CA3333031.